The following is an entry in ClinVar:

NM_006348.5(COG5):c.1756C>T (p.His586Tyr)

Gene: COG5 (component of oligomeric golgi complex 5; minus strand). Cytogenetic location: 7q22.3.
Variant type: single nucleotide variant.
Coding change: c.1756C>T on transcript NM_006348.5 (MANE Select); coding-DNA position 1756, C replaced by T.
Protein change: p.His586Tyr; replaces histidine 586 with tyrosine.
Molecular consequence: missense variant.
Genome position (GRCh38, 1-based): chr7:107,248,493, G>A on the plus strand (C>T on the coding strand, the complement: COG5 is on the minus strand). VCF-style: chr7-107248493-G-A. GRCh37 (hg19) VCF-style: chr7-106888938-G-A.
Other names: c.1756C>T, p.His586Tyr (NM_001161520.2, NM_001379513.1, NM_001379514.1); c.1594C>T, p.His532Tyr (NM_001379511.1); c.1582C>T, p.His528Tyr (NM_001379512.1); c.1186C>T, p.His396Tyr (NM_001379515.1); c.1042C>T, p.His348Tyr (NM_001379516.1); c.1693C>T, p.His565Tyr (NM_181733.4); short protein forms H617Y, H528Y, H532Y, H348Y, H565Y, H396Y, H586Y.
Identifiers: ClinVar variation 487322 (VCV000487322.31), dbSNP rs151129529, ClinGen allele CA4430786.

ClinVar aggregate classification (germline): Uncertain significance. Review status: criteria provided, multiple submitters, no conflicts (2 of 4 stars). 5 submissions from 5 submitters: Uncertain significance (4). 1 of the submissions does not count toward it. Last evaluated 2026-01-08.

Conditions:
COG5-congenital disorder of glycosylation. Also called: COG5-CDG; CDG IIi; CONGENITAL DISORDER OF GLYCOSYLATION, TYPE IIi. Identifiers: Orphanet 263487, MedGen C3150876, MONDO:0013325, OMIM 613612.
COG5-related disorder. Also called: COG5-related condition.

Allele frequency attached by ClinVar (database versions not stated): gnomAD exomes 0.00024; ExAC 0.00028; 1000 Genomes Project 30x 0.00031; 1000 Genomes Project 0.00040; ESP Exome Variant Server 0.00046; gnomAD 0.00077 and 0.00086.
gnomAD v4.1: 287 of 1,562,248 alleles (0.018%); highest among the groups gnomAD compares: African/African-American, 0.25%; 1 homozygote.

Submissions (5):

Labcorp Genetics (formerly Invitae), Labcorp
Classification: Uncertain significance for COG5-congenital disorder of glycosylation. Last evaluated: 2026-01-08. Review status: criteria provided, single submitter. Criteria: Invitae Variant Classification Sherloc (09022015). Collection method: clinical testing. Allele origin: germline.
Comment: This sequence change replaces histidine, which is basic and polar, with tyrosine, which is neutral and polar, at codon 617 of the COG5 protein (p.His617Tyr). The frequency data for this variant in the population databases is considered unreliable, as metrics indicate poor data quality at this position in the gnomAD database. This variant has not been reported in the literature in individuals affected with COG5-related conditions. ClinVar contains an entry for this variant (Variation ID: 487322). Invitae Evidence Modeling of protein sequence and biophysical properties (such as structural, functional, and spatial information, amino acid conservation, physicochemical variation, residue mobility, and thermodynamic stability) indicates that this missense variant is not expected to disrupt COG5 protein function with a negative predictive value of 80%. In summary, the available evidence is currently insufficient to determine the role of this variant in disease. Therefore, it has been classified as a Variant of Uncertain Significance.

CeGaT Center for Human Genetics Tuebingen
Classification: Uncertain significance. Last evaluated: 2025-02-01. Review status: criteria provided, single submitter. Criteria: CeGaT Center For Human Genetics Tuebingen Variant Classification Criteria Version 2. Collection method: clinical testing. Allele origin: germline. Affected: yes. Observed: 5 variant alleles.
Comment: COG5: PM2:Supporting, BP4

Women's Health and Genetics/Laboratory Corporation of America, LabCorp
Classification: Uncertain significance. Last evaluated: 2024-09-26. Review status: criteria provided, single submitter. Criteria: LabCorp Variant Classification Summary - May 2015. Collection method: clinical testing. Allele origin: germline.
Comment: Variant summary: COG5 c.1756C>T (p.His586Tyr) results in a conservative amino acid change in the encoded protein sequence. Three of three in-silico tools predict a benign effect of the variant on protein function. The variant allele was found at a frequency of 0.00024 in 243846 control chromosomes. This frequency is not significantly higher than estimated for a pathogenic variant in COG5 causing Congenital Disorder Of Glycosylation, Type 2i, allowing no conclusion about variant significance. To our knowledge, no occurrence of c.1756C>T in individuals affected with Congenital Disorder Of Glycosylation, Type 2i and no experimental evidence demonstrating its impact on protein function have been reported. ClinVar contains an entry for this variant (Variation ID: 487322). Based on the evidence outlined above, the variant was classified as uncertain significance.

Fulgent Genetics
Classification: Uncertain significance for COG5-congenital disorder of glycosylation. Last evaluated: 2022-03-28. Review status: criteria provided, single submitter. Criteria: ACMG Guidelines, 2015. Collection method: clinical testing. Allele origin: unknown.

PreventionGenetics, part of Exact Sciences
Classification: Likely benign for COG5-related condition. Last evaluated: 2023-11-27. Review status: no assertion criteria provided. Collection method: clinical testing. Allele origin: germline. Not counted in ClinVar's aggregate classification.
Comment: This variant is classified as likely benign based on ACMG/AMP sequence variant interpretation guidelines (Richards et al. 2015 PMID: 25741868, with internal and published modifications).